The following is an entry in ClinVar:

1 bp del G 7

Variant type: Deletion.
Identifiers: ClinVar variation 65488 (VCV000065488.3).

ClinVar aggregate classification (germline): Pathogenic (0 of 4 stars; one submission).

Conditions:
Holoprosencephaly 5 (HPE5). Identifiers: Orphanet 2162, MedGen C1864827, MONDO:0012322, OMIM 609637.

Submission:

GeneReviews
Classification: Pathogenic for Holoprosencephaly. Last evaluated: 2013-08-29. Review status: no assertion criteria provided. Collection method: curation. Allele origin: unknown.
ClinVar note: Converted during submission from pathologic to Pathogenic.